The following is an entry in ClinVar:

NM_000535.7(PMS2):c.755G>C (p.Cys252Ser)

Gene: PMS2 (PMS1 homolog 2, mismatch repair system component; minus strand). Cytogenetic location: 7p22.1.
Variant type: single nucleotide variant.
Coding change: c.755G>C on transcript NM_000535.7 (MANE Select); coding-DNA position 755, G replaced by C.
Protein change: p.Cys252Ser; replaces cysteine 252 with serine.
Molecular consequence: missense variant. On other transcripts: 5 prime UTR variant (2), non-coding transcript variant (1), intron variant (3).
Genome position (GRCh38, 1-based): chr7:5,997,374, C>G on the plus strand (G>C on the coding strand, the complement: PMS2 is on the minus strand). VCF-style: chr7-5997374-C-G. GRCh37 (hg19) VCF-style: chr7-6037005-C-G.
Other names: c.350G>C, p.Cys117Ser (NM_001322003.2, NM_001322004.2, NM_001322005.2 and 19 more transcripts); c.755G>C, p.Cys252Ser (NM_001322006.2, NM_001322014.2, NM_001406870.1 and 3 more transcripts); c.437G>C, p.Cys146Ser (NM_001322007.2, NM_001322008.2, NM_001406876.1 and 4 more transcripts); c.-179G>C (NM_001322011.2, NM_001322012.2); c.182G>C, p.Cys61Ser (NM_001322013.2, NM_001406909.1); c.446G>C, p.Cys149Ser (NM_001322015.2, NM_001406875.1, NM_001406877.1 and 6 more transcripts); c.941G>C, p.Cys314Ser (NM_001406866.1); c.779G>C, p.Cys260Ser (NM_001406868.1); and 7 more; short protein forms C196S, C146S, C260S, C61S, C117S, C140S, C216S, C81S.
Identifiers: ClinVar variation 4748771 (VCV004748771.1).

ClinVar aggregate classification (germline): Uncertain significance (1 of 4 stars; one submission).

Conditions:
Hereditary nonpolyposis colorectal neoplasms. Identifiers: MedGen C0009405, MeSH D003123.

Submission:

Labcorp Genetics (formerly Invitae), Labcorp
Classification: Uncertain significance for Hereditary nonpolyposis colorectal neoplasms. Last evaluated: 2025-09-28. Review status: criteria provided, single submitter. Criteria: Invitae Variant Classification Sherloc (09022015). Collection method: clinical testing. Allele origin: germline.
Comment: This sequence change replaces cysteine, which is neutral and slightly polar, with serine, which is neutral and polar, at codon 252 of the PMS2 protein (p.Cys252Ser). This variant is not present in population databases (gnomAD no frequency). This variant has not been reported in the literature in individuals affected with PMS2-related conditions. Invitae Evidence Modeling incorporating data from in vitro experimental studies (internal data) indicates that this missense variant is not expected to disrupt PMS2 function with a negative predictive value of 95%. In summary, the available evidence is currently insufficient to determine the role of this variant in disease. Therefore, it has been classified as a Variant of Uncertain Significance.